The following is an entry in ClinVar:

ClinVar aggregate classification (germline): Uncertain significance. Review status: criteria provided, multiple submitters, no conflicts (2 of 4 stars). 2 submissions from 2 submitters: Uncertain significance (2). Last evaluated 2023-12-11.

Conditions:
Charcot-Marie-Tooth disease axonal type 2O. Also called: Charcot-Marie-Tooth disease, axonal, type 20; CHARCOT-MARIE-TOOTH NEUROPATHY, AXONAL, TYPE 2O; CHARCOT-MARIE-TOOTH DISEASE, AXONAL, AUTOSOMAL DOMINANT, TYPE 2O; Charcot-Marie-Tooth Neuropathy Type 2O. Identifiers: Orphanet 284232, MedGen C3280220, MONDO:0013644, OMIM 614228.

Allele frequency attached by ClinVar (database versions not stated): TOPMed below 0.00001; gnomAD exomes 0.00001.
gnomAD v4.1: 3 of 1,614,204 alleles (0.00019%); highest among the groups gnomAD compares: Non-Finnish European, 0.00025%; no homozygotes.

Submissions (2):

GeneDx
Classification: Uncertain significance. Last evaluated: 2023-12-11. Review status: criteria provided, single submitter. Criteria: GeneDx Variant Classification Process June 2021. Collection method: clinical testing. Allele origin: germline. Affected: yes.
Comment: Not observed at significant frequency in large population cohorts (gnomAD); In silico analysis supports that this missense variant has a deleterious effect on protein structure/function; Has not been previously published as pathogenic or benign to our knowledge; This variant is associated with the following publications: (PMID: 26100331, 25609763, 25512093)

Labcorp Genetics (formerly Invitae), Labcorp
Classification: Uncertain significance for Charcot-Marie-Tooth disease axonal type 2O. Last evaluated: 2022-06-27. Review status: criteria provided, single submitter. Criteria: Invitae Variant Classification Sherloc (09022015). Collection method: clinical testing. Allele origin: germline.
Comment: This sequence change replaces arginine, which is basic and polar, with histidine, which is basic and polar, at codon 283 of the DYNC1H1 protein (p.Arg283His). This variant is not present in population databases (gnomAD no frequency). This variant has not been reported in the literature in individuals affected with DYNC1H1-related conditions. ClinVar contains an entry for this variant (Variation ID: 659411). Algorithms developed to predict the effect of missense changes on protein structure and function are either unavailable or do not agree on the potential impact of this missense change (SIFT: "Deleterious"; PolyPhen-2: "Benign"; Align-GVGD: "Class C0"). In summary, the available evidence is currently insufficient to determine the role of this variant in disease. Therefore, it has been classified as a Variant of Uncertain Significance.

NM_001376.5(DYNC1H1):c.848G>A (p.Arg283His)

Gene: DYNC1H1 (dynein cytoplasmic 1 heavy chain 1; plus strand). Cytogenetic location: 14q32.31.
Variant type: single nucleotide variant.
Coding change: c.848G>A on transcript NM_001376.5 (MANE Select); coding-DNA position 848, G replaced by A.
Protein change: p.Arg283His; replaces arginine 283 with histidine.
Molecular consequence: missense variant.
Genome position (GRCh38, 1-based): chr14:101,980,437, G>A. VCF-style: chr14-101980437-G-A. GRCh37 (hg19) VCF-style: chr14-102446774-G-A.
Other names: short protein forms R283H.
Identifiers: ClinVar variation 659411 (VCV000659411.7), dbSNP rs1595597922, ClinGen allele CA391009876.